The following is an entry in ClinVar:

NM_001114753.3(ENG):c.1415_1424del (p.Gln472fs)

Genes: ENG (endoglin; minus strand), LOC102723566 (uncharacterized LOC102723566; plus strand). Cytogenetic location: 9q34.11.
Variant type: Deletion.
Coding change: c.1415_1424del on transcript NM_001114753.3 (MANE Select); coding-DNA positions 1415 to 1424, 10 bases deleted (AGAGCTTTGT; older notation c.1415_1424delAGAGCTTTGT).
Protein change: p.Gln472fs; shifts the reading frame from glutamine 472.
Molecular consequence: frameshift variant.
Genome position (GRCh38, 1-based): chr9:127,818,720-127,818,729, ACAAAGCTCT deleted on the plus strand (AGAGCTTTGT on the coding strand, the reverse complement: ENG is on the minus strand). VCF-style (leftmost placement, unchanged base first): chr9-127818719-CACAAAGCTCT-C. GRCh37 (hg19) VCF-style: chr9-130580998-CACAAAGCTCT-C.
Other names: c.1415_1424delAGAGCTTTGT (NM_000118.3); c.1415_1424delAGAGCTTTGT, p.Gln472Argfs (NM_000118.4); c.869_878del, p.Gln290fs (NM_001278138.2); short protein forms Q472fs, Q290fs.
Identifiers: ClinVar variation 407117 (VCV000407117.9), dbSNP rs1060501412, ClinGen allele CA16612592.

ClinVar aggregate classification (germline): Pathogenic (1 of 4 stars; one submission).

Conditions:
Hereditary hemorrhagic telangiectasia (HHT). Also called: ORW DISEASE; Osler Weber Rendu syndrome; OSLER-RENDU-WEBER DISEASE; Osler hemorrhagic telangiectasia syndrome. Identifiers: Orphanet 774, MedGen C0039445, MONDO:0019180. Disease mechanism: loss of function.

Submission:

Labcorp Genetics (formerly Invitae), Labcorp
Classification: Pathogenic for Hereditary hemorrhagic telangiectasia. Last evaluated: 2016-12-13. Review status: criteria provided, single submitter. Criteria: Invitae Variant Classification Sherloc (09022015). Collection method: clinical testing. Allele origin: germline.
Comment: For these reasons, this variant has been classified as Pathogenic. While this particular variant has not been reported in the literature, loss-of-function variants in ENG are known to be pathogenic (PMID: 21158752, 12673790). This sequence change deletes 10 nucleotides from exon 11 of the ENG mRNA (c.1415_1424delAGAGCTTTGT), causing a frameshift at codon 472. This creates a premature translational stop signal (p.Gln472Argfs*16) and is expected to result in an absent or disrupted protein product.

Literature cited by the submitters: PubMed 21158752; PubMed 12673790.